The following is an entry in ClinVar:

NM_144997.7(FLCN):c.565C>G (p.Leu189Val)

Gene: FLCN (folliculin; minus strand). Cytogenetic location: 17p11.2.
Variant type: single nucleotide variant.
Coding change: c.565C>G on transcript NM_144997.7 (MANE Select); coding-DNA position 565, C replaced by G.
Protein change: p.Leu189Val; replaces leucine 189 with valine.
Molecular consequence: missense variant.
Genome position (GRCh38, 1-based): chr17:17,223,975, G>C on the plus strand (C>G on the coding strand, the complement: FLCN is on the minus strand). VCF-style: chr17-17223975-G-C. GRCh37 (hg19) VCF-style: chr17-17127289-G-C.
Other names: c.619C>G, p.Leu207Val (NM_001353229.2); c.565C>G, p.Leu189Val (NM_001353230.2, NM_001353231.2, NM_144606.7); short protein forms L189V, L207V.
Identifiers: ClinVar variation 2681947 (VCV002681947.1), dbSNP rs781433539, ClinGen allele CA398534274.
Genomic context (GRCh38, chr17:17,223,975, plus strand): 5'-AATTCACCTTGAGCGCCTTGCCCTGGAGCTCATCGATGATTCCCCGGACCTTCCCCAGCA[G>C]GAAGGGCCAGGAGTTGATGAGGTAGATCCGGTCCATCATGATGGTGATGATGCTGTACCA-3'
Protein context (NP_659434.2, residues 179-199): RIYLINSWPF[Leu189Val]LGKVRGIIDE

ClinVar aggregate classification (germline): Uncertain significance (1 of 4 stars; one submission).

gnomAD v4.1: 1 of 1,613,606 alleles (0.000062%); highest among the groups gnomAD compares: Non-Finnish European, 0.000085%; no homozygotes.

Submission:

Quest Diagnostics Nichols Institute San Juan Capistrano
Classification: Uncertain significance. Last evaluated: 2022-12-13. Review status: criteria provided, single submitter. Criteria: Quest Diagnostics criteria. Collection method: clinical testing. Allele origin: unknown.
Comment: This variant has not been reported in the published literature. It also has not been reported in large, multi-ethnic general populations. Analysis of this variant using bioinformatics tools for the prediction of the effect of amino acid changes on protein structure and function yielded conflicting predictions that this variant is benign or damaging. Based on the available information, we are unable to determine the clinical significance of this variant.